The following is an entry in ClinVar:

ClinVar aggregate classification (germline): Uncertain significance (1 of 4 stars; one submission).

Conditions:
Muscular dystrophy-dystroglycanopathy (congenital with impaired intellectual development), type B, 1. Also called: Muscular dystrophy-dystroglycanopathy (congenital with intellectual disability), type B1; MUSCULAR DYSTROPHY, CONGENITAL, POMT1-RELATED. Identifiers: MedGen C5436962, MONDO:0013159, OMIM 613155.
Walker-Warburg congenital muscular dystrophy. Also called: Muscular dystrophy-dystroglycanopathy, type A; Walker-Warburg syndrome. Identifiers: Orphanet 899, MedGen C0265221, MONDO:0000171.
Autosomal recessive limb-girdle muscular dystrophy type 2K. Also called: MUSCULAR DYSTROPHY-DYSTROGLYCANOPATHY (LIMB-GIRDLE), TYPE C, 1; MUSCULAR DYSTROPHY, LIMB-GIRDLE, TYPE 2K. Identifiers: Orphanet 86812, MedGen C1836373, MONDO:0012248, OMIM 609308.

Allele frequency attached by ClinVar (database versions not stated): gnomAD exomes below 0.00001.
gnomAD v4.1: 1 of 1,611,568 alleles (0.000062%); highest among the groups gnomAD compares: South Asian, 0.0011%; no homozygotes.

Submission:

Labcorp Genetics (formerly Invitae), Labcorp
Classification: Uncertain significance for Muscular dystrophy-dystroglycanopathy (congenital with impaired intellectual development), type B, 1; Walker-Warburg congenital muscular dystrophy; Autosomal recessive limb-girdle muscular dystrophy type 2K. Last evaluated: 2024-11-04. Review status: criteria provided, single submitter. Criteria: Invitae Variant Classification Sherloc (09022015). Collection method: clinical testing. Allele origin: germline.
Comment: This sequence change replaces isoleucine, which is neutral and non-polar, with valine, which is neutral and non-polar, at codon 147 of the POMT1 protein (p.Ile147Val). This variant is not present in population databases (gnomAD no frequency). This variant has not been reported in the literature in individuals affected with POMT1-related conditions. ClinVar contains an entry for this variant (Variation ID: 2092605). Invitae Evidence Modeling of protein sequence and biophysical properties (such as structural, functional, and spatial information, amino acid conservation, physicochemical variation, residue mobility, and thermodynamic stability) indicates that this missense variant is not expected to disrupt POMT1 protein function with a negative predictive value of 95%. In summary, the available evidence is currently insufficient to determine the role of this variant in disease. Therefore, it has been classified as a Variant of Uncertain Significance.

NM_001077365.2(POMT1):c.439A>G (p.Ile147Val)

Gene: POMT1 (protein O-mannosyltransferase 1; plus strand). Cytogenetic location: 9q34.13.
Variant type: single nucleotide variant.
Coding change: c.439A>G on transcript NM_001077365.2 (MANE Select); coding-DNA position 439, A replaced by G.
Protein change: p.Ile147Val; replaces isoleucine 147 with valine.
Molecular consequence: missense variant. On other transcripts: 5 prime UTR variant (2), non-coding transcript variant (8).
Genome position (GRCh38, 1-based): chr9:131,508,922, A>G. VCF-style: chr9-131508922-A-G. GRCh37 (hg19) VCF-style: chr9-134384309-A-G.
Other names: c.277A>G, p.Ile93Val (NM_001077366.2, NM_001353194.2, NM_001353197.2 and 3 more transcripts); c.439A>G, p.Ile147Val (NM_001136113.2, NM_001353193.2, NM_001374690.1 and 1 more transcripts); c.88A>G, p.Ile30Val (NM_001136114.2, NM_001353195.2, NM_001353199.2 and 2 more transcripts); c.349A>G, p.Ile117Val (NM_001353196.2); c.-18A>G (NM_001353200.2, NM_001374695.1); c.-698A>G (NM_001411024.1); short protein forms I93V, I30V, I117V, I147V.
Identifiers: ClinVar variation 2092605 (VCV002092605.4), dbSNP rs2539112202, ClinGen allele CA375306889.